The following is an entry in ClinVar:

ClinVar aggregate classification (germline): Uncertain significance (1 of 4 stars; one submission).

Submission:

Labcorp Genetics (formerly Invitae), Labcorp
Classification: Uncertain significance. Last evaluated: 2022-11-29. Review status: criteria provided, single submitter. Criteria: Invitae Variant Classification Sherloc (09022015). Collection method: clinical testing. Allele origin: germline.
Comment: This variant is not present in population databases (gnomAD no frequency). This sequence change replaces glycine, which is neutral and non-polar, with valine, which is neutral and non-polar, at codon 872 of the CSF1R protein (p.Gly872Val). This variant has not been reported in the literature in individuals affected with CSF1R-related conditions. In summary, the available evidence is currently insufficient to determine the role of this variant in disease. Therefore, it has been classified as a Variant of Uncertain Significance. Advanced modeling of protein sequence and biophysical properties (such as structural, functional, and spatial information, amino acid conservation, physicochemical variation, residue mobility, and thermodynamic stability) has been performed at Invitae for this missense variant, however the output from this modeling did not meet the statistical confidence thresholds required to predict the impact of this variant on CSF1R protein function. ClinVar contains an entry for this variant (Variation ID: 1464551).

NM_001288705.3(CSF1R):c.2615G>T (p.Gly872Val)

Gene: CSF1R (colony stimulating factor 1 receptor; minus strand). Cytogenetic location: 5q32.
Variant type: single nucleotide variant.
Coding change: c.2615G>T on transcript NM_001288705.3 (MANE Select); coding-DNA position 2615, G replaced by T.
Protein change: p.Gly872Val; replaces glycine 872 with valine.
Molecular consequence: missense variant. On other transcripts: non-coding transcript variant (2).
Genome position (GRCh38, 1-based): chr5:150,055,276, C>A on the plus strand (G>T on the coding strand, the complement: CSF1R is on the minus strand). VCF-style: chr5-150055276-C-A. GRCh37 (hg19) VCF-style: chr5-149434839-C-A.
Other names: c.2615G>T, p.Gly872Val (NM_001349736.2, NM_001375320.1, NM_005211.4); c.2171G>T, p.Gly724Val (NM_001375321.1); short protein forms G872V, G724V.
Identifiers: ClinVar variation 1464551 (VCV001464551.8), dbSNP rs2113776405, ClinGen allele CA361757949.
Genomic context (GRCh38, chr5:150,055,276, plus strand): 5'-CCCTGGGATCCCTTCGCTTACATATTCTTTGGGGCAAATGCAGGCTGGGCCATTTGGTAT[C>A]CATCCTTCACCAGTTTATAGAACTTGCTGTTCACCAGGATGCCAGGGTAGGGATTCAGCC-3'
Protein context (NP_001275634.1, residues 862-882): NSKFYKLVKD[Gly872Val]YQMAQPAFAP